The following is an entry in ClinVar:

NM_001393769.1(MED12L):c.10T>C (p.Phe4Leu)

Gene: MED12L (mediator complex subunit 12L; plus strand). Cytogenetic location: 3q25.1.
Variant type: single nucleotide variant.
Coding change: c.10T>C on transcript NM_001393769.1 (MANE Select); coding-DNA position 10, T replaced by C.
Protein change: p.Phe4Leu; replaces phenylalanine 4 with leucine.
Molecular consequence: missense variant.
Genome position (GRCh38, 1-based): chr3:151,086,936, T>C. VCF-style: chr3-151086936-T-C. GRCh37 (hg19) VCF-style: chr3-150804723-T-C.
Other names: c.10T>C, p.Phe4Leu (NM_053002.6); short protein forms F4L.
Identifiers: ClinVar variation 5001291 (VCV005001291.1).

ClinVar aggregate classification (germline): Uncertain significance (1 of 4 stars; one submission).

Conditions:
MED12L-related disorder. Also called: MED12L-related condition.

gnomAD v4.1: 1 of 1,599,428 alleles (0.000063%); highest among the groups gnomAD compares: Admixed American, 0.0017%; no homozygotes.

Submission:

PreventionGenetics, part of Exact Sciences
Classification: Uncertain significance for MED12L-related condition. Last evaluated: 2025-05-22. Review status: criteria provided, single submitter. Criteria: ACMG Guidelines, 2015. Collection method: clinical testing. Allele origin: germline.
Comment: The MED12L c.10T>C variant is predicted to result in the amino acid substitution p.Phe4Leu. To our knowledge, this variant has not been reported in the literature. This variant is reported in 0.0031% of alleles in individuals of Latino descent in gnomAD. At this time, the clinical significance of this variant is uncertain due to the absence of conclusive functional and genetic evidence.